The following is an entry in ClinVar:

NM_018294.6(CWF19L1):c.437T>A (p.Phe146Tyr)

Gene: CWF19L1 (CWF19 like cell cycle control factor 1; minus strand). Cytogenetic location: 10q24.31.
Variant type: single nucleotide variant.
Coding change: c.437T>A on transcript NM_018294.6 (MANE Select); coding-DNA position 437, T replaced by A.
Protein change: p.Phe146Tyr; replaces phenylalanine 146 with tyrosine.
Molecular consequence: missense variant. On other transcripts: intron variant (1).
Genome position (GRCh38, 1-based): chr10:100,256,329, A>T on the plus strand (T>A on the coding strand, the complement: CWF19L1 is on the minus strand). VCF-style: chr10-100256329-A-T. GRCh37 (hg19) VCF-style: chr10-102016086-A-T.
Other names: c.437T>A, p.Phe146Tyr (NM_001303404.2); c.26T>A, p.Phe9Tyr (NM_001303405.2, NM_001303406.2); c.-231-2790T>A (NM_001303407.2); short protein forms F146Y, F9Y.
Identifiers: ClinVar variation 741521 (VCV000741521.5), dbSNP rs79697381, ClinGen allele CA5647173.

ClinVar aggregate classification (germline): Likely benign. Review status: criteria provided, single submitter (1 of 4 stars). 2 submissions from 2 submitters: Likely benign (1). 1 of the submissions does not count toward it. Last evaluated 2018-05-24.

Conditions:
CWF19L1-related disorder. Also called: CWF19L1-related condition.

Allele frequency attached by ClinVar (database versions not stated): gnomAD exomes 0.00015 and 0.00038; ExAC 0.00055; gnomAD 0.00155 and 0.00165; ESP Exome Variant Server 0.00177; TOPMed 0.00181; 1000 Genomes Project 0.00240; 1000 Genomes Project 30x 0.00281.
gnomAD v4.1: 475 of 1,614,124 alleles (0.029%); highest among the groups gnomAD compares: African/African-American, 0.55%; no homozygotes.

Submissions (2):

Labcorp Genetics (formerly Invitae), Labcorp
Classification: Likely benign. Last evaluated: 2018-05-24. Review status: criteria provided, single submitter. Criteria: Invitae Variant Classification Sherloc (09022015). Collection method: clinical testing. Allele origin: germline.

PreventionGenetics, part of Exact Sciences
Classification: Likely benign for CWF19L1-related condition. Last evaluated: 2020-05-15. Review status: no assertion criteria provided. Collection method: clinical testing. Allele origin: germline. Not counted in ClinVar's aggregate classification.
Comment: This variant is classified as likely benign based on ACMG/AMP sequence variant interpretation guidelines (Richards et al. 2015 PMID: 25741868, with internal and published modifications).